The following is an entry in ClinVar:

ClinVar aggregate classification (germline): Uncertain significance. Review status: criteria provided, single submitter (1 of 4 stars). 2 submissions from 2 submitters: Uncertain significance (1). 1 of the submissions does not count toward it. Last evaluated 2022-01-26.

Conditions:
Inborn genetic diseases. Identifiers: MedGen C0950123, MeSH D030342.
DCT-related disorder. Also called: DCT-related condition.

Allele frequency attached by ClinVar (database versions not stated): 1000 Genomes Project 0.00020; TOPMed 0.00023; gnomAD exomes 0.00049; 1000 Genomes Project 30x 0.00016; gnomAD 0.00036; ESP Exome Variant Server 0.00038; ExAC 0.00048.
gnomAD v4.1: 761 of 1,614,090 alleles (0.047%); highest among the groups gnomAD compares: Non-Finnish European, 0.053%; no homozygotes.

Submissions (2):

Ambry Genetics
Classification: Uncertain significance for Inborn genetic diseases. Last evaluated: 2022-01-26. Review status: criteria provided, single submitter. Criteria: Ambry Variant Classification Scheme 2023. Collection method: clinical testing. Allele origin: germline.

PreventionGenetics, part of Exact Sciences
Classification: Likely benign for DCT-related condition. Last evaluated: 2024-08-02. Review status: no assertion criteria provided. Collection method: clinical testing. Allele origin: germline. Not counted in ClinVar's aggregate classification.
Comment: This variant is classified as likely benign based on ACMG/AMP sequence variant interpretation guidelines (Richards et al. 2015 PMID: 25741868, with internal and published modifications).

NM_001922.5(DCT):c.334G>T (p.Gly112Cys)

Gene: DCT (dopachrome tautomerase; minus strand). Cytogenetic location: 13q32.1.
Variant type: single nucleotide variant.
Coding change: c.334G>T on transcript NM_001922.5 (MANE Select); coding-DNA position 334, G replaced by T.
Protein change: p.Gly112Cys; replaces glycine 112 with cysteine.
Molecular consequence: missense variant. On other transcripts: 5 prime UTR variant (2), intron variant (2).
Genome position (GRCh38, 1-based): chr13:94,469,007, C>A on the plus strand (G>T on the coding strand, the complement: DCT is on the minus strand). VCF-style: chr13-94469007-C-A. GRCh37 (hg19) VCF-style: chr13-95121261-C-A.
Other names: c.334G>T, p.Gly112Cys (NM_001129889.3); c.-600G>T (NM_001322184.2, NM_001322185.2); c.145G>T, p.Gly49Cys (NM_001322186.2); c.-338-2349G>T (NM_001322182.2, NM_001322183.2); c.334G>T (NM_001129889.2); short protein forms G49C, G112C.
Identifiers: ClinVar variation 2346809 (VCV002346809.3), dbSNP rs144460082, ClinGen allele CA7017676.